The following is an entry in ClinVar:

NM_005876.5(SPEG):c.8806A>G (p.Lys2936Glu)

Genes: ASIC4-AS1 (ASIC4 antisense RNA 1; minus strand), SPEG (striated muscle enriched protein kinase; plus strand). Cytogenetic location: 2q35.
Variant type: single nucleotide variant.
Coding change: c.8806A>G on transcript NM_005876.5 (MANE Select); coding-DNA position 8806, A replaced by G.
Protein change: p.Lys2936Glu; replaces lysine 2936 with glutamic acid.
Molecular consequence: missense variant.
Genome position (GRCh38, 1-based): chr2:219,489,824, A>G. VCF-style: chr2-219489824-A-G. GRCh37 (hg19) VCF-style: chr2-220354546-A-G.
Other names: c.8806A>G (NM_005876.4); short protein forms K2936E.
Identifiers: ClinVar variation 1939391 (VCV001939391.6), dbSNP rs747386476, ClinGen allele CA2127564.

ClinVar aggregate classification (germline): Uncertain significance. Review status: criteria provided, multiple submitters, no conflicts (2 of 4 stars). 2 submissions from 2 submitters: Uncertain significance (2). Last evaluated 2025-08-10.

Conditions:
Inborn genetic diseases. Identifiers: MedGen C0950123, MeSH D030342.

Allele frequency attached by ClinVar (database versions not stated): gnomAD 0.00001; TOPMed 0.00001; gnomAD exomes 0.00004; ExAC 0.00007.
gnomAD v4.1: 27 of 1,613,306 alleles (0.0017%); highest among the groups gnomAD compares: South Asian, 0.027%; 1 homozygote.

Submissions (2):

Labcorp Genetics (formerly Invitae), Labcorp
Classification: Uncertain significance. Last evaluated: 2025-08-10. Review status: criteria provided, single submitter. Criteria: Invitae Variant Classification Sherloc (09022015). Collection method: clinical testing. Allele origin: germline.
Comment: This sequence change replaces lysine, which is basic and polar, with glutamic acid, which is acidic and polar, at codon 2936 of the SPEG protein (p.Lys2936Glu). This variant is present in population databases (rs747386476, gnomAD 0.03%). This variant has not been reported in the literature in individuals affected with SPEG-related conditions. ClinVar contains an entry for this variant (Variation ID: 1939391). An algorithm developed to predict the effect of missense changes on protein structure and function (PolyPhen-2) suggests that this variant is likely to be tolerated. In summary, the available evidence is currently insufficient to determine the role of this variant in disease. Therefore, it has been classified as a Variant of Uncertain Significance.

Ambry Genetics
Classification: Uncertain significance for Inborn genetic diseases. Last evaluated: 2024-12-28. Review status: criteria provided, single submitter. Criteria: Ambry Variant Classification Scheme 2023. Collection method: clinical testing. Allele origin: germline.